The following is an entry in ClinVar:

ClinVar aggregate classification (germline): Pathogenic (1 of 4 stars; one submission).

Conditions:
Inborn genetic diseases. Identifiers: MedGen C0950123, MeSH D030342.

Submission:

Ambry Genetics
Classification: Pathogenic for Inborn genetic diseases. Last evaluated: 2021-07-02. Review status: criteria provided, single submitter. Criteria: Ambry Variant Classification Scheme 2023. Collection method: clinical testing. Allele origin: germline.
Comment: The c.462T>A (p.Y154*) alteration, located in exon 5 (coding exon 5) of the FANCA gene, consists of a T to A substitution at nucleotide position 462. This changes the amino acid from a tyrosine (Y) to a stop codon at amino acid position 154. This alteration is expected to result in loss of function by premature protein truncation or nonsense-mediated mRNA decay. Based on data from the Genome Aggregation Database (gnomAD), the FANCA c.462T>A alteration was not observed, with coverage at this position. This mutation was reported in one individual with Fanconi anemia in conjunction with a gross deletion (Mori, 2019). Based on the available evidence, this alteration is classified as pathogenic.

Literature cited by the submitters: PubMed 30792206.

NM_000135.4(FANCA):c.462T>A (p.Tyr154Ter)

Gene: FANCA (FA complementation group A; minus strand). Cytogenetic location: 16q24.3.
Variant type: single nucleotide variant.
Coding change: c.462T>A on transcript NM_000135.4 (MANE Select); coding-DNA position 462, T replaced by A.
Protein change: p.Tyr154Ter; replaces tyrosine 154 with a stop codon.
Molecular consequence: nonsense. On other transcripts: intron variant (1).
Genome position (GRCh38, 1-based): chr16:89,810,767, A>T on the plus strand (T>A on the coding strand, the complement: FANCA is on the minus strand). VCF-style: chr16-89810767-A-T. GRCh37 (hg19) VCF-style: chr16-89877175-A-T.
Other names: c.462T>A, p.Tyr154Ter (NM_001018112.3, NM_001286167.3); c.426+162T>A (NM_001351830.2); short protein forms Y154*.
Identifiers: ClinVar variation 2231633 (VCV002231633.2), dbSNP rs1598190143, ClinGen allele CA397480768.